The following is an entry in ClinVar:

ClinVar aggregate classification (germline): Conflicting classifications of pathogenicity. Review status: criteria provided, conflicting classifications (1 of 4 stars). 3 submissions from 3 submitters: Uncertain significance (1); Likely benign (1). 1 of the submissions does not count toward it. Last evaluated 2024-11-17.

Conditions:
UGT1A1-related disorder. Also called: UGT1A1-related disorders; UGT1A1-related condition.

Allele frequency attached by ClinVar (database versions not stated): ExAC 0.00009; ESP Exome Variant Server 0.00031; gnomAD 0.00033 and 0.00036; TOPMed 0.00037; 1000 Genomes Project 0.00060; 1000 Genomes Project 30x 0.00062.
gnomAD v4.1: 98 of 1,614,210 alleles (0.0061%); highest among the groups gnomAD compares: African/African-American, 0.12%; no homozygotes.

Submissions (3):

Labcorp Genetics (formerly Invitae), Labcorp
Classification: Likely benign. Last evaluated: 2024-11-17. Review status: criteria provided, single submitter. Criteria: Invitae Variant Classification Sherloc (09022015). Collection method: clinical testing. Allele origin: germline.

Eurofins Ntd Llc (ga)
Classification: Uncertain significance. Last evaluated: 2018-07-16. Review status: criteria provided, single submitter. Criteria: EGL ClinVar v180209 classification definitions. Collection method: clinical testing. Allele origin: germline. Observed: 1 variant allele, 1 heterozygote.

PreventionGenetics, part of Exact Sciences
Classification: Likely benign for UGT1A1-related condition. Last evaluated: 2021-05-20. Review status: no assertion criteria provided. Collection method: clinical testing. Allele origin: germline. Not counted in ClinVar's aggregate classification.
Comment: This variant is classified as likely benign based on ACMG/AMP sequence variant interpretation guidelines (Richards et al. 2015 PMID: 25741868, with internal and published modifications).

NM_000463.3(UGT1A1):c.159G>A (p.Arg53=)

Genes: UGT1A9 (UDP glucuronosyltransferase family 1 member A9; plus strand), UGT1A (UDP glucuronosyltransferase family 1 member A complex locus; plus strand), UGT1A1 (UDP glucuronosyltransferase family 1 member A1; plus strand), UGT1A10 (UDP glucuronosyltransferase family 1 member A10; plus strand), UGT1A3 (UDP glucuronosyltransferase family 1 member A3; plus strand) and 5 more. Cytogenetic location: 2q37.1.
Variant type: single nucleotide variant.
Coding change: c.159G>A on transcript NM_000463.3 (MANE Select); coding-DNA position 159, G replaced by A.
Protein change: p.Arg53=; no amino-acid change (arginine 53 retained).
Molecular consequence: synonymous variant. On other transcripts: intron variant (9).
Genome position (GRCh38, 1-based): chr2:233,760,446, G>A. VCF-style: chr2-233760446-G-A. GRCh37 (hg19) VCF-style: chr2-234669092-G-A.
Other names: c.856-6588G>A (NM_019076.5, NM_019075.4, NM_021027.3 and 1 more transcripts); c.61-6588G>A (NM_205862.3); c.862-6588G>A (NM_001072.4); c.868-6588G>A (NM_019078.2, NM_007120.3, NM_019093.4).
Identifiers: ClinVar variation 598040 (VCV000598040.16), dbSNP rs149071335, ClinGen allele CA2179782.
Genomic context (GRCh38, chr2:233,760,446, plus strand): 5'-CCCAGTGGATGGCAGCCACTGGCTGAGCATGCTTGGGGCCATCCAGCAGCTGCAGCAGAG[G>A]GGACATGAAATAGTTGTCCTAGCACCTGACGCCTCGTTGTACATCAGAGACGGAGCATTT-3'
Protein context (NP_000454.1, residues 43-63): MLGAIQQLQQ[Arg53=]GHEIVVLAPD